The following is an entry in ClinVar:

NM_000264.5(PTCH1):c.1800A>T (p.Leu600Phe)

Genes: PTCH1 (patched 1; minus strand), LOC100507346 (uncharacterized LOC100507346; plus strand). Cytogenetic location: 9q22.32.
Variant type: single nucleotide variant.
Coding change: c.1800A>T on transcript NM_000264.5 (MANE Select); coding-DNA position 1800, A replaced by T.
Protein change: p.Leu600Phe; replaces leucine 600 with phenylalanine.
Molecular consequence: missense variant. On other transcripts: non-coding transcript variant (2).
Genome position (GRCh38, 1-based): chr9:95,469,860, T>A on the plus strand (A>T on the coding strand, the complement: PTCH1 is on the minus strand). VCF-style: chr9-95469860-T-A. GRCh37 (hg19) VCF-style: chr9-98232142-T-A.
Other names: c.1602A>T, p.Leu534Phe (NM_001083602.3); c.1797A>T, p.Leu599Phe (NM_001083603.3); c.1347A>T, p.Leu449Phe (NM_001083604.3, NM_001083605.3, NM_001083606.3 and 1 more transcripts); c.1644A>T, p.Leu548Phe (NM_001354918.2); short protein forms L449F, L548F, L600F, L599F, L534F.
Identifiers: ClinVar variation 5027571 (VCV005027571.1).

ClinVar aggregate classification (germline): Uncertain significance (1 of 4 stars; one submission).

Conditions:
Hereditary cancer-predisposing syndrome. Also called: Neoplastic Syndromes, Hereditary; Tumor predisposition; Hereditary neoplastic syndrome; Hereditary Cancer Syndrome. Identifiers: Orphanet 140162, MedGen C0027672, MeSH D009386, MONDO:0015356.

Submission:

Ambry Genetics
Classification: Uncertain significance for Hereditary cancer-predisposing syndrome. Last evaluated: 2026-09-07. Review status: criteria provided, single submitter. Criteria: Ambry Variant Classification Scheme 2023. Collection method: clinical testing. Allele origin: germline.
Comment: The p.L600F variant (also known as c.1800A>T), located in coding exon 13 of the PTCH1 gene, results from an A to T substitution at nucleotide position 1800. The leucine at codon 600 is replaced by phenylalanine, an amino acid with highly similar properties. This amino acid position is conserved. In addition, this alteration is predicted to be deleterious by in silico analysis. Based on the available evidence, the clinical significance of this variant remains unclear.